The following is an entry in ClinVar:

NM_007078.3(LDB3):c.2094+3A>G

Gene: LDB3 (LIM domain binding 3; plus strand). Cytogenetic location: 10q23.2.
Variant type: single nucleotide variant.
Coding change: c.2094+3A>G on transcript NM_007078.3 (MANE Select); 3 bases into the intron after coding-DNA position 2094, A replaced by G.
Molecular consequence: intron variant.
Genome position (GRCh38, 1-based): chr10:86,726,255, A>G. VCF-style: chr10-86726255-A-G. GRCh37 (hg19) VCF-style: chr10-88486012-A-G.
Other names: c.1905+3A>G (NM_001368064.1, NM_001368065.1); c.2109+3A>G (NM_001171610.2); c.1953+3A>G (NM_001368066.1); c.1764+3A>G (NM_001080114.2).
Identifiers: ClinVar variation 1040447 (VCV001040447.9), dbSNP rs1847251626, ClinGen allele CA1925637228.
Genomic context (GRCh38, chr10:86,726,255, plus strand): 5'-CGACAAGTTTATCGAAGCCCTGGGCCACACTTGGCACGACACCTGCTTCATTTGCGCAGT[A>G]TGTCTCTAGCTTGGGGCTCTGGCTTTCTGAGAAGAGGCAGGAGGGAGGAAGTGGGAGCCA-3'

ClinVar aggregate classification (germline): Uncertain significance (1 of 4 stars; one submission).

Conditions:
Myofibrillar myopathy 4. Also called: Zaspopathy (type). Identifiers: Orphanet 98912, MedGen C4721886, MONDO:0012277, OMIM 609452.

Submission:

Labcorp Genetics (formerly Invitae), Labcorp
Classification: Uncertain significance for Myofibrillar myopathy 4. Last evaluated: 2022-02-03. Review status: criteria provided, single submitter. Criteria: Invitae Variant Classification Sherloc (09022015). Collection method: clinical testing. Allele origin: germline.
Comment: The LDB3 gene has multiple clinically relevant transcripts. This variant occurs in alternate transcript NM_007078.2, and corresponds to NM_001080116.1:c.*26881A>G in the primary transcript. This sequence change falls in intron 12 of the LDB3 gene. It does not directly change the encoded amino acid sequence of the LDB3 protein. It affects a nucleotide within the consensus splice site. This variant is not present in population databases (gnomAD no frequency). This variant has not been reported in the literature in individuals affected with LDB3-related conditions. Variants that disrupt the consensus splice site are a relatively common cause of aberrant splicing (PMID: 17576681, 9536098). Algorithms developed to predict the effect of sequence changes on RNA splicing suggest that this variant may disrupt the consensus splice site. In summary, the available evidence is currently insufficient to determine the role of this variant in disease. Therefore, it has been classified as a Variant of Uncertain Significance.

Literature cited by the submitters: PubMed 17576681; PubMed 9536098.